The following is an entry in ClinVar:

ClinVar aggregate classification (germline): Uncertain significance (1 of 4 stars; one submission).

Submission:

Labcorp Genetics (formerly Invitae), Labcorp
Classification: Uncertain significance. Last evaluated: 2024-02-25. Review status: criteria provided, single submitter. Criteria: Invitae Variant Classification Sherloc (09022015). Collection method: clinical testing. Allele origin: germline.
Comment: This sequence change replaces asparagine, which is neutral and polar, with lysine, which is basic and polar, at codon 125 of the NR2F1 protein (p.Asn125Lys). This variant is not present in population databases (gnomAD no frequency). This variant has not been reported in the literature in individuals affected with NR2F1-related conditions. Advanced modeling of protein sequence and biophysical properties (such as structural, functional, and spatial information, amino acid conservation, physicochemical variation, residue mobility, and thermodynamic stability) performed at Invitae indicates that this missense variant is not expected to disrupt NR2F1 protein function with a negative predictive value of 80%. In summary, the available evidence is currently insufficient to determine the role of this variant in disease. Therefore, it has been classified as a Variant of Uncertain Significance.

NM_005654.6(NR2F1):c.375C>G (p.Asn125Lys)

Genes: NR2F1 (nuclear receptor subfamily 2 group F member 1; plus strand), NR2F1-AS1 (NR2F1 regulatory antisense RNA 1; minus strand). Cytogenetic location: 5q15.
Variant type: single nucleotide variant.
Coding change: c.375C>G on transcript NM_005654.6 (MANE Select); coding-DNA position 375, C replaced by G.
Protein change: p.Asn125Lys; replaces asparagine 125 with lysine.
Molecular consequence: missense variant. On other transcripts: non-coding transcript variant (8).
Genome position (GRCh38, 1-based): chr5:93,585,398, C>G. VCF-style: chr5-93585398-C-G. GRCh37 (hg19) VCF-style: chr5-92921104-C-G.
Other names: short protein forms N125K.
Identifiers: ClinVar variation 3643312 (VCV003643312.2).